The following is an entry in ClinVar:

NM_000059.4(BRCA2):c.4517T>C (p.Phe1506Ser)

Gene: BRCA2 (BRCA2 DNA repair associated; plus strand). Cytogenetic location: 13q13.1.
Variant type: single nucleotide variant.
Coding change: c.4517T>C on transcript NM_000059.4 (MANE Select); coding-DNA position 4517, T replaced by C.
Protein change: p.Phe1506Ser; replaces phenylalanine 1506 with serine.
Molecular consequence: missense variant.
Genome position (GRCh38, 1-based): chr13:32,338,872, T>C. VCF-style: chr13-32338872-T-C. GRCh37 (hg19) VCF-style: chr13-32913009-T-C.
Other names: c.4517T>C, p.Phe1506Ser (NM_001406719.1, NM_001406720.1); short protein forms F1506S.
Identifiers: ClinVar variation 1741169 (VCV001741169.7), dbSNP rs2548528564, ClinGen allele CA387781644.
Genomic context (GRCh38, chr13:32,338,872, plus strand): 5'-TTAAACACAAAATACTGAAAGAAAGTGTCCCAGTTGGTACTGGAAATCAACTAGTGACCT[T>C]CCAGGGACAACCCGAACGTGATGAAAAGATCAAAGAACCTACTCTATTGGGTTTTCATAC-3'
Protein context (NP_000050.3, residues 1496-1516): PVGTGNQLVT[Phe1506Ser]QGQPERDEKI

ClinVar aggregate classification (germline): Conflicting classifications of pathogenicity. Review status: criteria provided, conflicting classifications (1 of 4 stars). 4 submissions from 4 submitters: Uncertain significance (3); Likely benign (1). Last evaluated 2024-02-06.

Conditions:
Breast-ovarian cancer, familial, susceptibility to, 2 (BROVCA2). Also called: BRCA2 Hereditary Breast and Ovarian Cancer. Identifiers: Orphanet 145, MedGen C2675520, MONDO:0012933, OMIM 612555. Disease mechanism: loss of function.
Hereditary breast ovarian cancer syndrome. Also called: Hereditary breast and ovarian cancer syndrome; Breast and ovarian cancer; Hereditary breast and ovarian cancer; Hereditary breast and/or ovarian cancer syndrome; BRCA1- and BRCA2-Associated Hereditary Breast and Ovarian Cancer; Hereditary breast and ovarian cancer syndrome (HBOC). Identifiers: Orphanet 145, MedGen C0677776, MeSH D061325, MONDO:0003582. Disease mechanism: loss of function.
Hereditary cancer-predisposing syndrome. Also called: Neoplastic Syndromes, Hereditary; Tumor predisposition; Hereditary Cancer Syndrome; Hereditary neoplastic syndrome. Identifiers: Orphanet 140162, MedGen C0027672, MeSH D009386, MONDO:0015356.

Submissions (4):

Labcorp Genetics (formerly Invitae), Labcorp
Classification: Uncertain significance for Hereditary breast ovarian cancer syndrome. Last evaluated: 2024-02-06. Review status: criteria provided, single submitter. Criteria: Invitae Variant Classification Sherloc (09022015). Collection method: clinical testing. Allele origin: germline.
Comment: This sequence change replaces phenylalanine, which is neutral and non-polar, with serine, which is neutral and polar, at codon 1506 of the BRCA2 protein (p.Phe1506Ser). This variant is not present in population databases (gnomAD no frequency). This variant has not been reported in the literature in individuals affected with BRCA2-related conditions. ClinVar contains an entry for this variant (Variation ID: 1741169). Advanced modeling of protein sequence and biophysical properties (such as structural, functional, and spatial information, amino acid conservation, physicochemical variation, residue mobility, and thermodynamic stability) performed at Invitae indicates that this missense variant is not expected to disrupt BRCA2 protein function with a negative predictive value of 95%. In summary, the available evidence is currently insufficient to determine the role of this variant in disease. Therefore, it has been classified as a Variant of Uncertain Significance.

University of Washington Department of Laboratory Medicine, University of Washington
Classification: Likely benign for Hereditary cancer-predisposing syndrome. Last evaluated: 2023-03-23. Review status: criteria provided, single submitter. Criteria: Dines et al. (Genet Med. 2020). Collection method: curation. Allele origin: germline.
Comment: Missense variant in a coldspot region where missense variants are very unlikely to be pathogenic (PMID:31911673).

BRCA2 exon 11 coldspot. Reclassification based on statistical prior probability.

Ambry Genetics
Classification: Uncertain significance for Hereditary cancer-predisposing syndrome. Last evaluated: 2022-06-23. Review status: criteria provided, single submitter. Criteria: Ambry Variant Classification Scheme 2023. Collection method: clinical testing. Allele origin: germline.
Comment: The p.F1506S variant (also known as c.4517T>C), located in coding exon 10 of the BRCA2 gene, results from a T to C substitution at nucleotide position 4517. The phenylalanine at codon 1506 is replaced by serine, an amino acid with highly dissimilar properties. This amino acid position is conserved. In addition, this alteration is predicted to be tolerated by in silico analysis. Since supporting evidence is limited at this time, the clinical significance of this alteration remains unclear.

Laboratorio de Genetica e Diagnostico Molecular, Hospital Israelita Albert Einstein
Classification: Uncertain significance for Breast-ovarian cancer, familial, susceptibility to, 2. Last evaluated: 2022-06-21. Review status: criteria provided, single submitter. Criteria: ACMG Guidelines, 2015. Collection method: clinical testing. Allele origin: germline. Affected: yes. Observed: 1 variant allele.
Comment: ACMG classification criteria: PM2 moderated, BP4 supporting